The following is an entry in ClinVar:

NM_006767.4(LZTR1):c.320+5G>A

Gene: LZTR1 (leucine zipper like post translational regulator 1; plus strand). Cytogenetic location: 22q11.21.
Variant type: single nucleotide variant.
Coding change: c.320+5G>A on transcript NM_006767.4 (MANE Select); 5 bases into the intron after coding-DNA position 320, G replaced by A.
Molecular consequence: intron variant.
Genome position (GRCh38, 1-based): chr22:20,985,902, G>A. VCF-style: chr22-20985902-G-A. GRCh37 (hg19) VCF-style: chr22-21340191-G-A.
Identifiers: ClinVar variation 452486 (VCV000452486.8), dbSNP rs1555927336, ClinGen allele CA658658904.

ClinVar aggregate classification (germline): Uncertain significance. Review status: criteria provided, multiple submitters, no conflicts (2 of 4 stars). 4 submissions from 4 submitters: Uncertain significance (4). Last evaluated 2025-10-07.

Conditions:
Hereditary cancer-predisposing syndrome. Also called: Hereditary Cancer Syndrome; Hereditary neoplastic syndrome; Neoplastic Syndromes, Hereditary; Tumor predisposition. Identifiers: Orphanet 140162, MedGen C0027672, MeSH D009386, MONDO:0015356.
Cardiovascular phenotype. Identifiers: MedGen CN230736.
LZTR1-related schwannomatosis. Also called: Schwannomatosis-2, susceptibility to; Schwannomatosis 2. Identifiers: Orphanet 93921, MedGen C3810283, MONDO:0014299, OMIM 615670.

gnomAD v4.1: 1 of 1,614,032 alleles (0.000062%); highest among the groups gnomAD compares: Middle Eastern, 0.016%; no homozygotes.

Submissions (4):

Labcorp Genetics (formerly Invitae), Labcorp
Classification: Uncertain significance. Last evaluated: 2025-10-07. Review status: criteria provided, single submitter. Criteria: Invitae Variant Classification Sherloc (09022015). Collection method: clinical testing. Allele origin: germline.
Comment: This sequence change falls in intron 3 of the LZTR1 gene. It does not directly change the encoded amino acid sequence of the LZTR1 protein. It affects a nucleotide within the consensus splice site. This variant is not present in population databases (gnomAD no frequency). This variant has not been reported in the literature in individuals affected with LZTR1-related conditions. ClinVar contains an entry for this variant (Variation ID: 452486). Variants that disrupt the consensus splice site are a relatively common cause of aberrant splicing (PMID: 17576681, 9536098). Algorithms developed to predict the effect of sequence changes on RNA splicing suggest that this variant may disrupt the consensus splice site. In summary, the available evidence is currently insufficient to determine the role of this variant in disease. Therefore, it has been classified as a Variant of Uncertain Significance.

Ambry Genetics
Classification: Uncertain significance for Cardiovascular phenotype; Hereditary cancer-predisposing syndrome. Last evaluated: 2025-01-30. Review status: criteria provided, single submitter. Criteria: Ambry Variant Classification Scheme 2023. Collection method: clinical testing. Allele origin: germline.
Comment: The c.320+5G>A intronic variant results from a G to A substitution 5 nucleotides after coding exon 3 in the LZTR1 gene. This nucleotide position is highly conserved in available vertebrate species. In silico splice site analysis predicts that this alteration will weaken the native splice donor site. Based on the available evidence, the clinical significance of this variant remains unclear.

Baylor Genetics
Classification: Uncertain significance for LZTR1-related schwannomatosis. Last evaluated: 2023-06-27. Review status: criteria provided, single submitter. Criteria: ACMG Guidelines, 2015. Collection method: clinical testing. Allele origin: unknown.

GeneDx
Classification: Uncertain significance. Last evaluated: 2018-10-25. Review status: criteria provided, single submitter. Criteria: GeneDx Variant Classification (06012015). Collection method: clinical testing. Allele origin: germline. Affected: yes.
Comment: The c.320+5G>A variant in the LZTR1 gene has not been reported previously as a pathogenic variant nor as a benign variant, to our knowledge. This variant reduces the quality of the splice donor site in intron 3, and is predicted to cause abnormal gene splicing resulting in an in-frame protein product with an abnormal message. However, in the absence of RNA/functional studies, the actual effect of c.320+5G>A is unknown. The c.320+5G>A variant is not observed in large population cohorts (Lek et al., 2016). We interpret c.320+5G>A as a variant of uncertain significance.

Literature cited by the submitters: PubMed 17576681 (cited by Labcorp Genetics (formerly Invitae), Labcorp); PubMed 9536098 (cited by Labcorp Genetics (formerly Invitae), Labcorp).